The following is an entry in ClinVar:

ClinVar aggregate classification (germline): Conflicting classifications of pathogenicity. Review status: criteria provided, conflicting classifications (1 of 4 stars). 2 submissions from 2 submitters: Uncertain significance (1); Likely benign (1). Last evaluated 2017-04-27.

Conditions:
Hereditary spastic paraplegia 48. Also called: SPASTIC PARAPLEGIA 48, AUTOSOMAL RECESSIVE; Spastic paraplegia 48. Identifiers: Orphanet 306511, MedGen C3150901, MONDO:0013342, OMIM 613647.
Hereditary spastic paraplegia. Also called: Familial spastic paraparesis. Identifiers: Orphanet 685, MedGen C0037773, MONDO:0019064. Disease mechanism: loss of function.

Allele frequency attached by ClinVar (database versions not stated): 1000 Genomes Project 0.01258; 1000 Genomes Project 30x 0.01343; gnomAD 0.01546 and 0.01578; TOPMed 0.01718; gnomAD exomes 0.02174.
gnomAD v4.1: 2,424 of 152,310 alleles (1.6%); highest among the groups gnomAD compares: Middle Eastern, 5.5%; 33 homozygotes.

Submissions (2):

Illumina Laboratory Services, Illumina
Classification: Likely benign for Hereditary spastic paraplegia 48. Last evaluated: 2017-04-27. Review status: criteria provided, single submitter. Criteria: ICSL Variant Classification Criteria 13 December 2019. Collection method: clinical testing. Allele origin: germline.
Comment: This variant was observed as part of a predisposition screen in an ostensibly healthy population. A literature search was performed for the gene, cDNA change, and amino acid change (where applicable). No publications were found based on this search. Allele frequency data from public databases allowed determination this variant is unlikely to cause disease. Therefore, this variant is classified as likely benign.

Genome Diagnostics Laboratory, The Hospital for Sick Children
Classification: Uncertain significance for Hereditary spastic paraplegia. Last evaluated: 2016-12-20. Review status: criteria provided, single submitter. Criteria: ACMG Guidelines, 2015. Collection method: clinical testing. Allele origin: germline. Affected: yes.

NM_014855.3(AP5Z1):c.*856G>A

Genes: AP5Z1 (adaptor related protein complex 5 subunit zeta 1; plus strand), LOC129997864 (ATAC-STARR-seq lymphoblastoid silent region 17903; plus strand). Cytogenetic location: 7p22.1.
Variant type: single nucleotide variant.
Coding change: c.*856G>A on transcript NM_014855.3 (MANE Select); 856 bases downstream of the stop codon, G replaced by A.
Molecular consequence: 3 prime UTR variant. On other transcripts: non-coding transcript variant (1).
Genome position (GRCh38, 1-based): chr7:4,792,241, G>A. VCF-style: chr7-4792241-G-A. GRCh37 (hg19) VCF-style: chr7-4831872-G-A.
Other names: c.*856G>A (NM_001364858.1).
Identifiers: ClinVar variation 908138 (VCV000908138.7), dbSNP rs148032002, ClinGen allele CA153038469.